The following is an entry in ClinVar:

NM_001261826.3(AP3D1):c.2645CCCCCG[5] (p.882AP[5])

Gene: AP3D1 (adaptor related protein complex 3 subunit delta 1; minus strand). Cytogenetic location: 19p13.3.
Variant type: Microsatellite.
Coding change: c.2645CCCCCG[5] on transcript NM_001261826.3 (MANE Select); five copies in a row of the 6-base unit CCCCCG starting at c.2645; the reference has four copies in a row; one copy, 6 bases duplicated.
Protein change: p.882AP[5].
Molecular consequence: inframe insertion. On other transcripts: intron variant (1).
Genome position (GRCh38, 1-based): chr19:2,113,347-2,113,352, CGGGGG duplicated on the plus strand (CCCCCG on the coding strand, the reverse complement: AP3D1 is on the minus strand); duplicating any 6 consecutive bases within chr19:2,113,347-2,113,371 gives the same sequence; the position shown is the placement nearest the transcript's 3' end. VCF-style (leftmost placement, unchanged base first): chr19-2113346-A-ACGGGGG. GRCh37 (hg19) VCF-style: chr19-2113345-A-ACGGGGG.
Other names: c.2645CCCCCG[5], p.882AP[5] (NM_001374799.1); c.2601+755CCCCCG[5] (NM_003938.8); c.2663_2668dup6 (NM_001261826.1).
Identifiers: ClinVar variation 1431368 (VCV001431368.14), dbSNP rs750853882, ClinGen allele CA504773376.

ClinVar aggregate classification (germline): Conflicting classifications of pathogenicity. Review status: criteria provided, conflicting classifications (1 of 4 stars). 3 submissions from 3 submitters: Uncertain significance (1); Likely benign (1). 1 of the submissions does not count toward it. Last evaluated 2026-01-28.

Conditions:
AP3D1-related disorder. Also called: AP3D1-related condition.

Submissions (3):

Labcorp Genetics (formerly Invitae), Labcorp
Classification: Uncertain significance. Last evaluated: 2026-01-28. Review status: criteria provided, single submitter. Criteria: Invitae Variant Classification Sherloc (09022015). Collection method: clinical testing. Allele origin: germline.
Comment: This variant, c.2663_2668dup, results in the insertion of 2 amino acid(s) of the AP3D1 protein (p.Ala888_Pro889dup), but otherwise preserves the integrity of the reading frame. The frequency data for this variant in the population databases is considered unreliable, as metrics indicate poor data quality at this position in the gnomAD database. This variant has not been reported in the literature in individuals affected with AP3D1-related conditions. Experimental studies and prediction algorithms are not available or were not evaluated, and the functional significance of this variant is currently unknown. Algorithms developed to predict the effect of sequence changes on RNA splicing suggest that this variant may disrupt the consensus splice site. In summary, the available evidence is currently insufficient to determine the role of this variant in disease. Therefore, it has been classified as a Variant of Uncertain Significance.

CeGaT Center for Human Genetics Tuebingen
Classification: Likely benign. Last evaluated: 2025-10-01. Review status: criteria provided, single submitter. Criteria: CeGaT Center For Human Genetics Tuebingen Variant Classification Criteria Version 2. Collection method: clinical testing. Allele origin: germline. Affected: yes. Observed: 1 variant allele.
Comment: AP3D1: BS1

PreventionGenetics, part of Exact Sciences
Classification: Likely benign for AP3D1-related condition. Last evaluated: 2023-11-15. Review status: no assertion criteria provided. Collection method: clinical testing. Allele origin: germline. Not counted in ClinVar's aggregate classification.
Comment: This variant is classified as likely benign based on ACMG/AMP sequence variant interpretation guidelines (Richards et al. 2015 PMID: 25741868, with internal and published modifications).